The following is an entry in ClinVar:

ClinVar aggregate classification (germline): Uncertain significance. Review status: criteria provided, multiple submitters, no conflicts (2 of 4 stars). 2 submissions from 2 submitters: Uncertain significance (2). Last evaluated 2025-02-05.

Conditions:
Exostoses, multiple, type 2 (EXT2). Also called: Hereditary Multiple Osteochondromatosis, Type II; EXOSTOSES, MULTIPLE, TYPE II. Identifiers: Orphanet 321, MedGen C1851413, MONDO:0007586, OMIM 133701.

Allele frequency attached by ClinVar (database versions not stated): TOPMed below 0.00001.

Submissions (2):

St. Jude Molecular Pathology, St. Jude Children's Research Hospital
Classification: Uncertain significance for Exostoses, multiple, type 2. Last evaluated: 2025-02-05. Review status: criteria provided, single submitter. Criteria: St. Jude Assertion Criteria 2020. Collection method: clinical testing. Allele origin: germline.
Comment: The EXT2 c.1565G>C (p.Trp522Ser) missense change is absent in gnomAD v2.1.1. The in silico tool REVEL predicts a deleterious effect on protein function, but to our knowledge this prediction has not been confirmed by functional studies. To our knowledge, this variant has not been reported in individuals with hereditary multiple exostoses. In summary, the evidence currently available is insufficient to determine the clinical significance of this variant. It has therefore been classified as of uncertain significance.

Labcorp Genetics (formerly Invitae), Labcorp
Classification: Uncertain significance for Exostoses, multiple, type 2. Last evaluated: 2022-08-08. Review status: criteria provided, single submitter. Criteria: Invitae Variant Classification Sherloc (09022015). Collection method: clinical testing. Allele origin: germline.
Comment: In summary, the available evidence is currently insufficient to determine the role of this variant in disease. Therefore, it has been classified as a Variant of Uncertain Significance. Algorithms developed to predict the effect of missense changes on protein structure and function are either unavailable or do not agree on the potential impact of this missense change (SIFT: "Deleterious"; PolyPhen-2: "Probably Damaging"; Align-GVGD: "Class C0"). This variant has not been reported in the literature in individuals affected with EXT2-related conditions. This variant is not present in population databases (gnomAD no frequency). This sequence change replaces tryptophan, which is neutral and slightly polar, with serine, which is neutral and polar, at codon 489 of the EXT2 protein (p.Trp489Ser).

NM_207122.2(EXT2):c.1466G>C (p.Trp489Ser)

Genes: EXT2 (exostosin glycosyltransferase 2; plus strand), LOC126861201 (MED14-independent group 3 enhancer GRCh37_chr11:44218806-44220005; plus strand). Cytogenetic location: 11p11.2.
Variant type: single nucleotide variant.
Coding change: c.1466G>C on transcript NM_207122.2 (MANE Select); coding-DNA position 1466, G replaced by C.
Protein change: p.Trp489Ser; replaces tryptophan 489 with serine.
Molecular consequence: missense variant.
Genome position (GRCh38, 1-based): chr11:44,197,989, G>C. VCF-style: chr11-44197989-G-C. GRCh37 (hg19) VCF-style: chr11-44219539-G-C.
Other names: c.1565G>C, p.Trp522Ser (NM_000401.3); c.1496G>C, p.Trp499Ser (NM_001178083.3); c.1466G>C, p.Trp489Ser (NM_001389628.1, NM_001389630.1); short protein forms W489S, W499S, W522S.
Identifiers: ClinVar variation 1939036 (VCV001939036.6), dbSNP rs1374879447, ClinGen allele CA380179248.